The following is an entry in ClinVar:

ClinVar aggregate classification (germline): Uncertain significance (1 of 4 stars; one submission).

Conditions:
GNAS-related disorder. Identifiers: MedGen CN380105.

gnomAD v4.1: 28 of 1,591,570 alleles (0.0018%); highest among the groups gnomAD compares: Non-Finnish European, 0.0024%; no homozygotes.

Submission:

PreventionGenetics, part of Exact Sciences
Classification: Uncertain significance for GNAS-related condition. Last evaluated: 2026-03-12. Review status: criteria provided, single submitter. Criteria: ACMG Guidelines, 2015. Collection method: clinical testing. Allele origin: germline.
Comment: The GNAS c.1067A>C variant is predicted to result in the amino acid substitution p.Glu356Ala. Of note, this variant can also be referred to as c.-37395A>C (pre-coding) with the more commonly reported isoform, NM_000516. To our knowledge, this variant has not been reported in the literature. This variant is reported in 0.0011% of alleles in individuals of European (non-Finnish) descent in gnomAD. At this time, the clinical significance of this variant is uncertain due to the absence of conclusive functional and genetic evidence.

NM_080425.4(GNAS):c.1067A>C (p.Glu356Ala)

Gene: GNAS (GNAS complex locus; plus strand). Cytogenetic location: 20q13.32.
Variant type: single nucleotide variant.
Coding change: c.1067A>C on transcript NM_080425.4 (MANE Plus Clinical); coding-DNA position 1067, A replaced by C.
Protein change: p.Glu356Ala; replaces glutamic acid 356 with alanine.
Molecular consequence: missense variant. On other transcripts: intron variant (3), synonymous variant (2).
Genome position (GRCh38, 1-based): chr20:58,854,332, A>C. VCF-style: chr20-58854332-A-C. GRCh37 (hg19) VCF-style: chr20-57429387-A-C.
Other names: c.1067A>C, p.Glu356Ala (NM_001410913.1); c.*42+13446A>C (NM_016592.5); c.43+13446A>C (NM_001410912.1); c.-39+12457A>C (NM_001309861.2); c.880A>C, p.Arg294= (NM_001077490.3, NM_001309883.1); short protein forms E356A.
Identifiers: ClinVar variation 4981866 (VCV004981866.1).